The following is an entry in ClinVar:

NM_025099.6(CTC1):c.3406G>A (p.Glu1136Lys)

Gene: CTC1 (CST telomere replication complex component 1; minus strand). Cytogenetic location: 17p13.1.
Variant type: single nucleotide variant.
Coding change: c.3406G>A on transcript NM_025099.6 (MANE Select); coding-DNA position 3406, G replaced by A.
Protein change: p.Glu1136Lys; replaces glutamic acid 1136 with lysine.
Molecular consequence: missense variant. On other transcripts: non-coding transcript variant (1).
Genome position (GRCh38, 1-based): chr17:8,228,611, C>T on the plus strand (G>A on the coding strand, the complement: CTC1 is on the minus strand). VCF-style: chr17-8228611-C-T. GRCh37 (hg19) VCF-style: chr17-8131929-C-T.
Other names: short protein forms E1136K.
Identifiers: ClinVar variation 1467928 (VCV001467928.7), dbSNP rs761553012, ClinGen allele CA8371778.

ClinVar aggregate classification (germline): Uncertain significance. Review status: criteria provided, multiple submitters, no conflicts (2 of 4 stars). 3 submissions from 3 submitters: Uncertain significance (3). Last evaluated 2022-03-29.

Conditions:
Cerebroretinal microangiopathy with calcifications and cysts 1 (CRMCC1). Identifiers: Orphanet 313838, MedGen C4552029, MONDO:0024564, OMIM 612199.
Dyskeratosis congenita. Identifiers: Orphanet 1775, MedGen C0265965, MONDO:0015780.

Allele frequency attached by ClinVar (database versions not stated): gnomAD 0.00001; ExAC 0.00002; gnomAD exomes 0.00002 and 0.00003; TOPMed 0.00003.
gnomAD v4.1: 12 of 1,614,032 alleles (0.00074%); highest among the groups gnomAD compares: Admixed American, 0.01%; no homozygotes.

Submissions (3):

Labcorp Genetics (formerly Invitae), Labcorp
Classification: Uncertain significance for Dyskeratosis congenita. Last evaluated: 2022-03-29. Review status: criteria provided, single submitter. Criteria: Invitae Variant Classification Sherloc (09022015). Collection method: clinical testing. Allele origin: germline.
Comment: This sequence change replaces glutamic acid, which is acidic and polar, with lysine, which is basic and polar, at codon 1136 of the CTC1 protein (p.Glu1136Lys). This variant is present in population databases (rs761553012, gnomAD 0.02%). This missense change has been observed in individual(s) with clinical features of CTC1-related conditions (PMID: 30891747). Algorithms developed to predict the effect of missense changes on protein structure and function are either unavailable or do not agree on the potential impact of this missense change (SIFT: "Deleterious"; PolyPhen-2: "Benign"; Align-GVGD: "Class C15"). In summary, the available evidence is currently insufficient to determine the role of this variant in disease. Therefore, it has been classified as a Variant of Uncertain Significance.

Sema4
Classification: Uncertain significance for Dyskeratosis congenita. Last evaluated: 2022-02-09. Review status: criteria provided, single submitter. Criteria: Sema4 Curation Guidelines. Collection method: curation. Allele origin: germline.
Comment: The CTC1 c.3406G>A (p.E1136K) variant has been reported in at least 1 individual with severe aplastic anemia (PMID 30891747). This variant was observed in 6/34524 chromosomes in the Latino population, according to the Genome Aggregation Database (PMID: 32461654). The variant has not been reported in ClinVar. Functional studies have not been performed, and in silico predictions of the variant's effect on protein function are inconclusive. The evidence is insufficient to meet ACMG/AMP criteria for classifying the variant as benign or pathogenic. Thus, the clinical significance of this variant is currently uncertain.

Fulgent Genetics
Classification: Uncertain significance for Cerebroretinal microangiopathy with calcifications and cysts 1. Last evaluated: 2021-10-12. Review status: criteria provided, single submitter. Criteria: ACMG Guidelines, 2015. Collection method: clinical testing. Allele origin: unknown.

Literature cited by the submitters: PubMed 30891747 (cited by Labcorp Genetics (formerly Invitae), Labcorp and Sema4).